The following is an entry in ClinVar:

ClinVar aggregate classification (germline): Uncertain significance (1 of 4 stars; one submission).

Conditions:
Maturity-onset diabetes of the young type 11. Identifiers: Orphanet 552, MedGen C3150618, MONDO:0013242, OMIM 613375.

gnomAD v4.1: 12 of 1,613,860 alleles (0.00074%); highest among the groups gnomAD compares: South Asian, 0.012%; no homozygotes.

Submission:

Kasturba Medical College, Manipal, Kasturba Medical College, Manipal, Manipal Academy of Higher Education, Manipal, India
Classification: Uncertain significance for Maturity-onset diabetes of the young type 11. Review status: criteria provided, single submitter. Criteria: ACMG Guidelines, 2015. Collection method: clinical testing. Allele origin: unknown. Inheritance: Autosomal dominant inheritance. Affected: yes. Observed: 1 heterozygote.
Comment: In-silico prediction tools (CADD_phred, ClinPred) are consistent in predicting the variant to be deleterious. The clinical findings observed in the proband overlap with maturity-onset diabetes of the young, type 11.

NM_001715.3(BLK):c.237G>A (p.Met79Ile)

Gene: BLK (BLK proto-oncogene, Src family tyrosine kinase). Cytogenetic location: 8p23.1.
Variant type: single nucleotide variant.
Coding change: c.237G>A on transcript NM_001715.3 (MANE Select); coding-DNA position 237, G replaced by A.
Protein change: p.Met79Ile; replaces methionine 79 with isoleucine.
Molecular consequence: missense variant.
Genome position (GRCh38, 1-based): chr8:11,548,093, G>A. VCF-style: chr8-11548093-G-A. GRCh37 (hg19) VCF-style: chr8-11405602-G-A.
Other names: c.24G>A, p.Met8Ile (NM_001330465.2); short protein forms M79I, M8I.
Identifiers: ClinVar variation 3340532 (VCV003340532.2).